The following is an entry in ClinVar:

NM_001384474.1(LOXHD1):c.4699AAG[1] (p.Lys1568del)

Gene: LOXHD1 (lipoxygenase homology PLAT domains 1; minus strand). Cytogenetic location: 18q21.1.
Variant type: Microsatellite.
Coding change: c.4699AAG[1] on transcript NM_001384474.1 (MANE Select); one copy of the 3-base unit AAG starting at c.4699; the reference has two copies in a row; one copy, 3 bases deleted; also written c.4702_4704del.
Protein change: p.Lys1568del; deletes lysine 1568.
Molecular consequence: inframe deletion.
Genome position (GRCh38, 1-based): chr18:46,524,744-46,524,746, CTT deleted on the plus strand (AAG on the coding strand, the reverse complement: LOXHD1 is on the minus strand); deleting any 3 consecutive bases within chr18:46,524,744-46,524,750 gives the same sequence; the position shown is the placement nearest the transcript's 3' end. VCF-style (leftmost placement, unchanged base first): chr18-46524743-CCTT-C. GRCh37 (hg19) VCF-style: chr18-44104706-CCTT-C.
Other names: c.1366AAG[1], p.Lys457del (NM_001145472.3); c.1078AAG[1], p.Lys361del (NM_001308013.2); c.4699AAG[1], p.Lys1568del (NM_144612.7); c.4702_4704del (NM_001384474.1); short protein forms K1568del, K361del, K457del.
Identifiers: ClinVar variation 4852127 (VCV004852127.2), dbSNP rs1416298510.

ClinVar aggregate classification (germline): Uncertain significance (1 of 4 stars; one submission).

Conditions:
Autosomal recessive nonsyndromic hearing loss 77. Identifiers: Orphanet 90636, MedGen C2746083, MONDO:0013119, OMIM 613079.

Submission:

Laboratory of Molecular, Cellular and Translation Genetics in Otolaryngology/ Lim32-hcfmusp, University of Sao Paulo School of Medicine Clinics Hospital
Classification: Uncertain significance for Autosomal recessive nonsyndromic hearing loss 77. Last evaluated: 2026-04-30. Review status: criteria provided, single submitter. Criteria: ACMG Guidelines, 2015. Collection method: research. Allele origin: germline. Affected: yes.
Comment: NM_001384474.1:c.4702_4704del: p.(Lys1568del). This variant has been classified as a variant of uncertain significance (VUS). It is absent from population databases (PM2). The variant results in an in-frame deletion in a non-repeat region, leading to a protein length change (PM4). Although the presence of two rare variants in LOXHD1 may suggest a potential association with the phenotype, the available evidence is currently insufficient to establish a definitive causal role for this variant in the proband as described in PMID: 42233699.

Literature cited by the submitters: PubMed 42233699.